The following is an entry in ClinVar:

ClinVar aggregate classification (germline): Uncertain significance (1 of 4 stars; one submission).

Conditions:
Bloom syndrome (BLM). Also called: Bloom-Torre-Machacek syndrome. Identifiers: Orphanet 125, MedGen C0005859, MONDO:0008876, OMIM 210900.

Submission:

Labcorp Genetics (formerly Invitae), Labcorp
Classification: Uncertain significance for Bloom syndrome. Last evaluated: 2025-02-07. Review status: criteria provided, single submitter. Criteria: Invitae Variant Classification Sherloc (09022015). Collection method: clinical testing. Allele origin: germline.
Comment: This sequence change replaces proline, which is neutral and non-polar, with leucine, which is neutral and non-polar, at codon 1307 of the BLM protein (p.Pro1307Leu). This variant is not present in population databases (gnomAD no frequency). This variant has not been reported in the literature in individuals affected with BLM-related conditions. An algorithm developed to predict the effect of missense changes on protein structure and function (PolyPhen-2) suggests that this variant is likely to be tolerated. In summary, the available evidence is currently insufficient to determine the role of this variant in disease. Therefore, it has been classified as a Variant of Uncertain Significance.

NM_000057.4(BLM):c.3920C>T (p.Pro1307Leu)

Gene: BLM (BLM RecQ like helicase; plus strand). Cytogenetic location: 15q26.1.
Variant type: single nucleotide variant.
Coding change: c.3920C>T on transcript NM_000057.4 (MANE Select); coding-DNA position 3920, C replaced by T.
Protein change: p.Pro1307Leu; replaces proline 1307 with leucine.
Molecular consequence: missense variant.
Genome position (GRCh38, 1-based): chr15:90,811,250, C>T. VCF-style: chr15-90811250-C-T. GRCh37 (hg19) VCF-style: chr15-91354480-C-T.
Other names: c.3920C>T, p.Pro1307Leu (NM_001287246.2); c.3527C>T, p.Pro1176Leu (NM_001287247.2); c.2795C>T, p.Pro932Leu (NM_001287248.2); short protein forms P1176L, P1307L, P932L.
Identifiers: ClinVar variation 4799548 (VCV004799548.1).